The following is an entry in ClinVar:

NM_006267.5(RANBP2):c.2502C>G (p.Asn834Lys)

Gene: RANBP2 (RAN binding protein 2; plus strand). Cytogenetic location: 2q13.
Variant type: single nucleotide variant.
Coding change: c.2502C>G on transcript NM_006267.5 (MANE Select); coding-DNA position 2502, C replaced by G.
Protein change: p.Asn834Lys; replaces asparagine 834 with lysine.
Molecular consequence: missense variant.
Genome position (GRCh38, 1-based): chr2:108,758,448, C>G. VCF-style: chr2-108758448-C-G. GRCh37 (hg19) VCF-style: chr2-109374904-C-G.
Other names: short protein forms N834K.
Identifiers: ClinVar variation 432054 (VCV000432054.16), dbSNP rs144573168, ClinGen allele CA1822721.

ClinVar aggregate classification (germline): Conflicting classifications of pathogenicity. Review status: criteria provided, conflicting classifications (1 of 4 stars). 3 submissions from 3 submitters: Uncertain significance (1); Benign (1); Likely benign (1). Last evaluated 2024-11-25.

Conditions:
Familial acute necrotizing encephalopathy (IIAE3). Also called: Susceptibility to Acute Necrotizing Encephalopathy 1; ENCEPHALOPATHY, ACUTE, INFECTION-INDUCED, SUSCEPTIBILITY TO, 3. Identifiers: Orphanet 88619, MedGen C2675556, MONDO:0011953, OMIM 608033.

Allele frequency attached by ClinVar (database versions not stated): gnomAD exomes 0.00026; ExAC 0.00030; ESP Exome Variant Server 0.00031; gnomAD 0.00103 and 0.00110; 1000 Genomes Project 0.00120; 1000 Genomes Project 30x 0.00172.
gnomAD v4.1: 338 of 1,611,504 alleles (0.021%); highest among the groups gnomAD compares: African/African-American, 0.36%; 1 homozygote.

Submissions (4):

Blueprint Genetics
Classification: Likely benign. Last evaluated: 2024-11-25. Review status: criteria provided, single submitter. Criteria: ACMG Guidelines, 2015. Collection method: clinical testing. Allele origin: germline.

GeneDx
Classification: Uncertain significance. Last evaluated: 2024-02-22. Review status: criteria provided, single submitter. Criteria: GeneDx Variant Classification Process June 2021. Collection method: clinical testing. Allele origin: germline. Affected: yes.
Comment: In silico analysis supports that this missense variant does not alter protein structure/function; Has not been previously published as pathogenic or benign to our knowledge

Labcorp Genetics (formerly Invitae), Labcorp
Classification: Benign for Familial acute necrotizing encephalopathy. Last evaluated: 2023-12-13. Review status: criteria provided, single submitter. Criteria: Invitae Variant Classification Sherloc (09022015). Collection method: clinical testing. Allele origin: germline.

Dr. Peter K. Rogan Lab, Western University
No classification provided (evidence only). Condition: Malignant tumor of esophagus. Review status: no classification provided. Collection method: in vitro. Allele origin: not applicable. Functional consequence: retained intron. Not counted in ClinVar's aggregate classification.